The following is an entry in ClinVar:

ClinVar aggregate classification (germline): Conflicting classifications of pathogenicity. Review status: criteria provided, conflicting classifications (1 of 4 stars). 3 submissions from 3 submitters: Uncertain significance (2); Likely benign (1). Last evaluated 2024-08-07.

Conditions:
Hereditary cancer-predisposing syndrome. Also called: Neoplastic Syndromes, Hereditary; Hereditary Cancer Syndrome; Hereditary neoplastic syndrome; Tumor predisposition. Identifiers: Orphanet 140162, MedGen C0027672, MeSH D009386, MONDO:0015356.
Familial cancer of breast. Also called: Hereditary breast cancer; hereditary breast carcinoma; BREAST CANCER, FAMILIAL. Identifiers: Orphanet 227535, MedGen C0346153, MONDO:0016419, OMIM 114480. Disease mechanism: loss of function.
Fanconi anemia complementation group J. Also called: BRIP1-Related Fanconi Anemia. Identifiers: Orphanet 84, MedGen C1836860, MONDO:0012187, OMIM 609054.
Hereditary breast ovarian cancer syndrome. Also called: Hereditary breast and ovarian cancer syndrome; Hereditary breast and/or ovarian cancer syndrome; BRCA1- and BRCA2-Associated Hereditary Breast and Ovarian Cancer; Hereditary breast and ovarian cancer; Breast and ovarian cancer; Hereditary breast and ovarian cancer syndrome (HBOC). Identifiers: Orphanet 145, MedGen C0677776, MeSH D061325, MONDO:0003582. Disease mechanism: loss of function.

Allele frequency attached by ClinVar (database versions not stated): gnomAD exomes below 0.00001.
gnomAD v4.1: 1 of 1,613,264 alleles (0.000062%); highest among the groups gnomAD compares: Non-Finnish European, 0.000085%; no homozygotes.

Submissions (3):

Labcorp Genetics (formerly Invitae), Labcorp
Classification: Uncertain significance for Familial cancer of breast; Fanconi anemia complementation group J. Last evaluated: 2024-08-07. Review status: criteria provided, single submitter. Criteria: Invitae Variant Classification Sherloc (09022015). Collection method: clinical testing. Allele origin: germline.
Comment: This sequence change replaces leucine, which is neutral and non-polar, with valine, which is neutral and non-polar, at codon 1170 of the BRIP1 protein (p.Leu1170Val). This variant is not present in population databases (gnomAD no frequency). This missense change has been observed in individual(s) with breast and ovarian cancer (PMID: 28796317). ClinVar contains an entry for this variant (Variation ID: 142568). An algorithm developed to predict the effect of missense changes on protein structure and function (PolyPhen-2) suggests that this variant is likely to be tolerated. In summary, the available evidence is currently insufficient to determine the role of this variant in disease. Therefore, it has been classified as a Variant of Uncertain Significance.

Ambry Genetics
Classification: Likely benign for Hereditary cancer-predisposing syndrome. Last evaluated: 2024-07-16. Review status: criteria provided, single submitter. Criteria: Ambry Variant Classification Scheme 2023. Collection method: clinical testing. Allele origin: germline.

Cancer Genomics Group, Japanese Foundation For Cancer Research
Classification: Uncertain significance for Hereditary breast and ovarian cancer syndrome. Last evaluated: 2019-05-01. Review status: criteria provided, single submitter. Criteria: ACMG Guidelines, 2015. Collection method: research. Allele origin: germline. Affected: yes.

Literature cited by the submitters: PubMed 28796317 (cited by Labcorp Genetics (formerly Invitae), Labcorp and Ambry Genetics).

NM_032043.3(BRIP1):c.3508C>G (p.Leu1170Val)

Gene: BRIP1 (BRCA1 interacting DNA helicase 1; minus strand). Cytogenetic location: 17q23.2.
Variant type: single nucleotide variant.
Coding change: c.3508C>G on transcript NM_032043.3 (MANE Select); coding-DNA position 3508, C replaced by G.
Protein change: p.Leu1170Val; replaces leucine 1170 with valine.
Molecular consequence: missense variant.
Genome position (GRCh38, 1-based): chr17:61,683,538, G>C on the plus strand (C>G on the coding strand, the complement: BRIP1 is on the minus strand). VCF-style: chr17-61683538-G-C. GRCh37 (hg19) VCF-style: chr17-59760899-G-C.
Other names: short protein forms L1170V.
Identifiers: ClinVar variation 142568 (VCV000142568.16), dbSNP rs587782552, ClinGen allele CA168724.